The following is an entry in ClinVar:

ClinVar aggregate classification (germline): Uncertain significance. Review status: criteria provided, multiple submitters, no conflicts (2 of 4 stars). 2 submissions from 2 submitters: Uncertain significance (2). Last evaluated 2024-11-10.

Conditions:
Inborn genetic diseases. Identifiers: MedGen C0950123, MeSH D030342.

Allele frequency attached by ClinVar (database versions not stated): gnomAD exomes 0.00001; ExAC 0.00004; gnomAD 0.00004; TOPMed 0.00006; ESP Exome Variant Server 0.00008.
gnomAD v4.1: 13 of 1,606,294 alleles (0.00081%); highest among the groups gnomAD compares: African/African-American, 0.0094%; no homozygotes.

Submissions (2):

Ambry Genetics
Classification: Uncertain significance for Inborn genetic diseases. Last evaluated: 2024-11-10. Review status: criteria provided, single submitter. Criteria: Ambry Variant Classification Scheme 2023. Collection method: clinical testing. Allele origin: germline.

GeneDx
Classification: Uncertain significance. Last evaluated: 2023-03-02. Review status: criteria provided, single submitter. Criteria: GeneDx Variant Classification Process June 2021. Collection method: clinical testing. Allele origin: germline. Affected: yes.
Comment: Not observed at significant frequency in large population cohorts (gnomAD); In silico analysis supports that this missense variant has a deleterious effect on protein structure/function; Has not been previously published as pathogenic or benign to our knowledge

NM_001042545.2(LTBP4):c.2284C>T (p.Arg762Cys)

Gene: LTBP4 (latent transforming growth factor beta binding protein 4; plus strand). Cytogenetic location: 19q13.2.
Variant type: single nucleotide variant.
Coding change: c.2284C>T on transcript NM_001042545.2 (MANE Select); coding-DNA position 2284, C replaced by T.
Protein change: p.Arg762Cys; replaces arginine 762 with cysteine.
Molecular consequence: missense variant.
Genome position (GRCh38, 1-based): chr19:40,612,177, C>T. VCF-style: chr19-40612177-C-T. GRCh37 (hg19) VCF-style: chr19-41118083-C-T.
Other names: c.2485C>T, p.Arg829Cys (NM_001042544.1); c.2374C>T, p.Arg792Cys (NM_003573.2); short protein forms R762C, R792C, R829C.
Identifiers: ClinVar variation 2578086 (VCV002578086.2), dbSNP rs369850418, ClinGen allele CA9448605.